The following is an entry in ClinVar:

NM_001042492.3(NF1):c.803C>G (p.Pro268Arg)

Gene: NF1 (neurofibromin 1; plus strand). Cytogenetic location: 17q11.2.
Variant type: single nucleotide variant.
Coding change: c.803C>G on transcript NM_001042492.3 (MANE Select); coding-DNA position 803, C replaced by G.
Protein change: p.Pro268Arg; replaces proline 268 with arginine.
Molecular consequence: missense variant.
Genome position (GRCh38, 1-based): chr17:31,182,580, C>G. VCF-style: chr17-31182580-C-G. GRCh37 (hg19) VCF-style: chr17-29509598-C-G.
Other names: c.803C>G, p.Pro268Arg (NM_000267.4, NM_001128147.3); short protein forms P268R.
Identifiers: ClinVar variation 2895799 (VCV002895799.3), dbSNP rs1441060549, ClinGen allele CA398990914.

ClinVar aggregate classification (germline): Uncertain significance (1 of 4 stars; one submission).

Conditions:
Neurofibromatosis, type 1 (NF1). Also called: Neurofibromatosis, type I; VON RECKLINGHAUSEN DISEASE; Peripheral type neurofibromatosis; NEUROFIBROMATOSIS, TYPE I, SOMATIC. Identifiers: Orphanet 636, MedGen C0027831, MONDO:0018975, OMIM 162200. Disease mechanism: loss of function.

gnomAD v4.1: 1 of 1,613,940 alleles (0.000062%); highest among the groups gnomAD compares: Non-Finnish European, 0.000085%; no homozygotes.

Submission:

Labcorp Genetics (formerly Invitae), Labcorp
Classification: Uncertain significance for Neurofibromatosis, type 1. Last evaluated: 2023-03-01. Review status: criteria provided, single submitter. Criteria: Invitae Variant Classification Sherloc (09022015). Collection method: clinical testing. Allele origin: germline.
Comment: Advanced modeling of protein sequence and biophysical properties (such as structural, functional, and spatial information, amino acid conservation, physicochemical variation, residue mobility, and thermodynamic stability) performed at Invitae indicates that this missense variant is expected to disrupt NF1 protein function. This variant has not been reported in the literature in individuals affected with NF1-related conditions. This variant is present in population databases (no rsID available, gnomAD 0.0009%). This sequence change replaces proline, which is neutral and non-polar, with arginine, which is basic and polar, at codon 268 of the NF1 protein (p.Pro268Arg). In summary, the available evidence is currently insufficient to determine the role of this variant in disease. Therefore, it has been classified as a Variant of Uncertain Significance.